The following is an entry in ClinVar:

NM_001242896.3(DEPDC5):c.1550G>A (p.Arg517Lys)

Gene: DEPDC5 (DEP domain containing 5, GATOR1 subcomplex subunit; plus strand). Cytogenetic location: 22q12.3.
Variant type: single nucleotide variant.
Coding change: c.1550G>A on transcript NM_001242896.3 (MANE Select); coding-DNA position 1550, G replaced by A.
Protein change: p.Arg517Lys; replaces arginine 517 with lysine.
Molecular consequence: missense variant. On other transcripts: non-coding transcript variant (5).
Genome position (GRCh38, 1-based): chr22:31,815,096, G>A. VCF-style: chr22-31815096-G-A. GRCh37 (hg19) VCF-style: chr22-32211082-G-A.
Other names: c.1550G>A, p.Arg517Lys (NM_001007188.4, NM_001136029.4, NM_001242897.2 and 7 more transcripts); c.1466G>A, p.Arg489Lys (NM_001369901.1, NM_001369902.1); short protein forms R489K, R517K.
Identifiers: ClinVar variation 1011529 (VCV001011529.6), dbSNP rs765781653, ClinGen allele CA10196403.

ClinVar aggregate classification (germline): Uncertain significance (1 of 4 stars; one submission).

Conditions:
Familial focal epilepsy with variable foci (FPEVF). Identifiers: Orphanet 98820, MedGen C1858477, MONDO:0020310.

Allele frequency attached by ClinVar (database versions not stated): TOPMed below 0.00001; gnomAD 0.00001; gnomAD exomes 0.00001 and 0.00002; ExAC 0.00003.
gnomAD v4.1: 20 of 1,614,096 alleles (0.0012%); highest among the groups gnomAD compares: Non-Finnish European, 0.001%; no homozygotes.

Submission:

Labcorp Genetics (formerly Invitae), Labcorp
Classification: Uncertain significance for Familial focal epilepsy with variable foci. Last evaluated: 2024-10-16. Review status: criteria provided, single submitter. Criteria: Invitae Variant Classification Sherloc (09022015). Collection method: clinical testing. Allele origin: germline.
Comment: This sequence change replaces arginine, which is basic and polar, with lysine, which is basic and polar, at codon 517 of the DEPDC5 protein (p.Arg517Lys). This variant is present in population databases (rs765781653, gnomAD 0.009%). This variant has not been reported in the literature in individuals affected with DEPDC5-related conditions. ClinVar contains an entry for this variant (Variation ID: 1011529). Experimental studies and prediction algorithms are not available or were not evaluated, and the functional significance of this variant is currently unknown. In summary, the available evidence is currently insufficient to determine the role of this variant in disease. Therefore, it has been classified as a Variant of Uncertain Significance.